The following is an entry in ClinVar:

NM_000540.3(RYR1):c.2977_2979delinsGAT (p.Asn993Asp)

Gene: RYR1 (ryanodine receptor 1; plus strand). Cytogenetic location: 19q13.2.
Variant type: Indel.
Coding change: c.2977_2979delinsGAT on transcript NM_000540.3 (MANE Select); coding-DNA positions 2977 to 2979, AAC replaced by GAT.
Protein change: p.Asn993Asp; replaces asparagine 993 with aspartic acid.
Molecular consequence: missense variant.
Genome position (GRCh38, 1-based): chr19:38,466,197-38,466,199, AAC replaced by GAT. VCF-style: chr19-38466197-AAC-GAT. GRCh37 (hg19) VCF-style: chr19-38956837-AAC-GAT.
Other names: c.2977_2979delinsGAT, p.Asn993Asp (NM_001042723.2); short protein forms N993D.
Identifiers: ClinVar variation 4757304 (VCV004757304.1).

ClinVar aggregate classification (germline): Uncertain significance (1 of 4 stars; one submission).

Conditions:
Malignant hyperthermia, susceptibility to, 1 (MHS1). Also called: RYR1-Related Malignant Hyperthermia Susceptibility; Malignant hyperthermia suceptibility 1; Anesthesia related hyperthermia; Malignant hyperpyrexia; Fulminating hyperpyrexia; Pharmacogenic myopathy. Identifiers: Orphanet 423, MedGen C2930980, MONDO:0007783, OMIM 145600.

Submission:

Color Diagnostics, LLC DBA Color Health
Classification: Uncertain significance for Malignant hyperthermia, susceptibility to, 1. Last evaluated: 2025-06-09. Review status: criteria provided, single submitter. Criteria: ACMG Guidelines, 2015. Collection method: clinical testing. Allele origin: germline.
Comment: This missense variant replaces asparagine with aspartic acid at codon 993 of the RYR1 protein. To our knowledge, functional studies have not been reported for this variant. This variant has not been reported in individuals affected with RYR1-related disorders in the literature. This variant has not been identified in the general population by the Genome Aggregation Database (gnomAD). The available evidence is insufficient to determine the role of this variant in disease conclusively. Therefore, this variant is classified as a Variant of Uncertain Significance.